The following is an entry in ClinVar:

NM_178452.6(DNAAF1):c.603G>C (p.Gln201His)

Gene: DNAAF1 (dynein axonemal assembly factor 1; plus strand). Cytogenetic location: 16q24.1.
Variant type: single nucleotide variant.
Coding change: c.603G>C on transcript NM_178452.6 (MANE Select); coding-DNA position 603, G replaced by C.
Protein change: p.Gln201His; replaces glutamine 201 with histidine.
Molecular consequence: missense variant.
Genome position (GRCh38, 1-based): chr16:84,155,611, G>C. VCF-style: chr16-84155611-G-C. GRCh37 (hg19) VCF-style: chr16-84189216-G-C.
Other names: short protein forms Q201H.
Identifiers: ClinVar variation 1438430 (VCV001438430.6), dbSNP rs1169328891, ClinGen allele CA396943574.

ClinVar aggregate classification (germline): Uncertain significance. Review status: criteria provided, multiple submitters, no conflicts (2 of 4 stars). 2 submissions from 2 submitters: Uncertain significance (2). Last evaluated 2025-02-19.

Conditions:
Primary ciliary dyskinesia 13. Also called: CILIARY DYSKINESIA, PRIMARY, 13, WITH OR WITHOUT SITUS INVERSUS. Identifiers: Orphanet 244, MedGen C2750790, MONDO:0013174, OMIM 613193.
Primary ciliary dyskinesia. Also called: Ciliary dyskinesia. Identifiers: Orphanet 244, MedGen C0008780, MONDO:0016575, HP:0012265.

Allele frequency attached by ClinVar (database versions not stated): gnomAD 0.00006 and 0.00007; TOPMed 0.00006.
gnomAD v4.1: 15 of 1,614,026 alleles (0.00093%); highest among the groups gnomAD compares: African/African-American, 0.019%; no homozygotes.

Submissions (2):

Labcorp Genetics (formerly Invitae), Labcorp
Classification: Uncertain significance for Primary ciliary dyskinesia. Last evaluated: 2025-02-19. Review status: criteria provided, single submitter. Criteria: Invitae Variant Classification Sherloc (09022015). Collection method: clinical testing. Allele origin: germline.
Comment: This sequence change replaces glutamine, which is neutral and polar, with histidine, which is basic and polar, at codon 201 of the DNAAF1 protein (p.Gln201His). This variant is present in population databases (no rsID available, gnomAD 0.02%). This variant has not been reported in the literature in individuals affected with DNAAF1-related conditions. ClinVar contains an entry for this variant (Variation ID: 1438430). An algorithm developed to predict the effect of missense changes on protein structure and function (PolyPhen-2) suggests that this variant is likely to be disruptive. In summary, the available evidence is currently insufficient to determine the role of this variant in disease. Therefore, it has been classified as a Variant of Uncertain Significance.

Johns Hopkins Genomics, Johns Hopkins University
Classification: Uncertain significance for Primary ciliary dyskinesia 13. Last evaluated: 2022-08-24. Review status: criteria provided, single submitter. Criteria: ACMG Guidelines, 2015. Collection method: clinical testing. Allele origin: germline.
Comment: This DNAAF1 missense variant (rs1169328891) is rare (<0.1%) in a large population dataset (gnomAD v2.1.1: 2/31380 total alleles; 0.0064%; no homozygotes). It has been reported in ClinVar (Variation ID 1438430), but has not been reported in the literature, to our knowledge. Of two bioinformatics tools queried, one predicts that the substitution would be damaging, while the other predicts that it would be tolerated, and the glutamine residue at this position is evolutionarily conserved across all of the species assessed5. We consider the clinical significance of c.603G>C in DNAAF1 to be uncertain at this time.